The following is an entry in ClinVar:

NM_001242896.3(DEPDC5):c.3836A>G (p.His1279Arg)

Gene: DEPDC5 (DEP domain containing 5, GATOR1 subcomplex subunit; plus strand). Cytogenetic location: 22q12.3.
Variant type: single nucleotide variant.
Coding change: c.3836A>G on transcript NM_001242896.3 (MANE Select); coding-DNA position 3836, A replaced by G.
Protein change: p.His1279Arg; replaces histidine 1279 with arginine.
Molecular consequence: missense variant. On other transcripts: non-coding transcript variant (5).
Genome position (GRCh38, 1-based): chr22:31,879,555, A>G. VCF-style: chr22-31879555-A-G. GRCh37 (hg19) VCF-style: chr22-32275541-A-G.
Other names: c.3809A>G, p.His1270Arg (NM_001136029.4); c.3536A>G, p.His1179Arg (NM_001242897.2); c.3770A>G, p.His1257Arg (NM_001363852.2, NM_001364320.2); c.3602A>G, p.His1201Arg (NM_001363854.2, NM_001364319.2); c.3836A>G, p.His1279Arg (NM_001364318.2); c.3752A>G, p.His1251Arg (NM_001369901.1, NM_001369902.1); c.3743A>G, p.His1248Arg (NM_001369903.1, NM_014662.6); short protein forms H1201R, H1248R, H1270R, H1251R, H1257R, H1279R, H1179R.
Identifiers: ClinVar variation 639259 (VCV000639259.9), dbSNP rs201765981, ClinGen allele CA10197128.

ClinVar aggregate classification (germline): Uncertain significance. Review status: criteria provided, multiple submitters, no conflicts (2 of 4 stars). 2 submissions from 2 submitters: Uncertain significance (2). Last evaluated 2025-06-14.

Conditions:
Familial focal epilepsy with variable foci (FPEVF). Identifiers: Orphanet 98820, MedGen C1858477, MONDO:0020310.
Epilepsy, familial focal, with variable foci 1 (FFEVF1). Also called: DEPDC5-Related Epilepsy. Identifiers: MedGen C4551983, MONDO:0024556, OMIM 604364.

Allele frequency attached by ClinVar (database versions not stated): gnomAD 0.00002; TOPMed 0.00002; gnomAD exomes 0.00003 and 0.00004; ExAC 0.00005; ESP Exome Variant Server 0.00024.
gnomAD v4.1: 59 of 1,612,160 alleles (0.0037%); highest among the groups gnomAD compares: Non-Finnish European, 0.0048%; no homozygotes.

Submissions (2):

Labcorp Genetics (formerly Invitae), Labcorp
Classification: Uncertain significance for Familial focal epilepsy with variable foci. Last evaluated: 2025-06-14. Review status: criteria provided, single submitter. Criteria: Invitae Variant Classification Sherloc (09022015). Collection method: clinical testing. Allele origin: germline.
Comment: This sequence change replaces histidine, which is basic and polar, with arginine, which is basic and polar, at codon 1279 of the DEPDC5 protein (p.His1279Arg). This variant is present in population databases (rs201765981, gnomAD 0.007%). This variant has not been reported in the literature in individuals affected with DEPDC5-related conditions. ClinVar contains an entry for this variant (Variation ID: 639259). Experimental studies and prediction algorithms are not available or were not evaluated, and the functional significance of this variant is currently unknown. In summary, the available evidence is currently insufficient to determine the role of this variant in disease. Therefore, it has been classified as a Variant of Uncertain Significance.

Fulgent Genetics
Classification: Uncertain significance for Epilepsy, familial focal, with variable foci 1. Last evaluated: 2021-08-16. Review status: criteria provided, single submitter. Criteria: ACMG Guidelines, 2015. Collection method: clinical testing. Allele origin: unknown.